The following is an entry in ClinVar:

ClinVar aggregate classification (germline): Uncertain significance. Review status: criteria provided, multiple submitters, no conflicts (2 of 4 stars). 2 submissions from 2 submitters: Uncertain significance (2). Last evaluated 2026-09-03.

Conditions:
Myopathy, proximal, and ophthalmoplegia (CMYO6). Also called: CONGENITAL MYOPATHY 6 WITH OPHTHALMOPLEGIA; MYOPATHY WITH CONGENITAL JOINT CONTRACTURES, OPHTHALMOPLEGIA, AND RIMMED VACUOLES; INCLUSION BODY MYOPATHY 3, AUTOSOMAL DOMINANT. Identifiers: Orphanet 363677, Orphanet 79091, MedGen C1854106, MONDO:0011577, OMIM 605637.

Allele frequency attached by ClinVar (database versions not stated): gnomAD 0.00001 and 0.00002; ExAC 0.00002; gnomAD exomes 0.00002; TOPMed 0.00005; ESP Exome Variant Server 0.00008.
gnomAD v4.1: 34 of 1,613,442 alleles (0.0021%); highest among the groups gnomAD compares: Non-Finnish European, 0.0023%; no homozygotes.

Submissions (2):

GeneDx
Classification: Uncertain significance. Last evaluated: 2026-09-03. Review status: criteria provided, single submitter. Criteria: GeneDx Variant Classification Process June 2021. Collection method: clinical testing. Allele origin: germline.
Comment: In silico analysis supports that this missense variant has a deleterious effect on protein structure/function; This variant is associated with the following publications: (PMID: 41252304, 42474733)

Labcorp Genetics (formerly Invitae), Labcorp
Classification: Uncertain significance for Myopathy, proximal, and ophthalmoplegia. Last evaluated: 2025-03-20. Review status: criteria provided, single submitter. Criteria: Invitae Variant Classification Sherloc (09022015). Collection method: clinical testing. Allele origin: germline.
Comment: This sequence change replaces arginine, which is basic and polar, with glutamine, which is neutral and polar, at codon 1256 of the MYH2 protein (p.Arg1256Gln). This variant is present in population databases (rs141448415, gnomAD 0.005%). This variant has not been reported in the literature in individuals affected with MYH2-related conditions. ClinVar contains an entry for this variant (Variation ID: 546118). Invitae Evidence Modeling of protein sequence and biophysical properties (such as structural, functional, and spatial information, amino acid conservation, physicochemical variation, residue mobility, and thermodynamic stability) indicates that this missense variant is expected to disrupt MYH2 protein function with a positive predictive value of 80%. In summary, the available evidence is currently insufficient to determine the role of this variant in disease. Therefore, it has been classified as a Variant of Uncertain Significance.

NM_017534.6(MYH2):c.3767G>A (p.Arg1256Gln)

Genes: MYH2 (myosin heavy chain 2; minus strand), MYHAS (myosin heavy chain gene cluster antisense RNA; plus strand). Cytogenetic location: 17p13.1.
Variant type: single nucleotide variant.
Coding change: c.3767G>A on transcript NM_017534.6 (MANE Select); coding-DNA position 3767, G replaced by A.
Protein change: p.Arg1256Gln; replaces arginine 1256 with glutamine.
Molecular consequence: missense variant.
Genome position (GRCh38, 1-based): chr17:10,527,852, C>T on the plus strand (G>A on the coding strand, the complement: MYH2 is on the minus strand). VCF-style: chr17-10527852-C-T. GRCh37 (hg19) VCF-style: chr17-10431169-C-T.
Other names: c.3767G>A, p.Arg1256Gln (NM_001100112.2); short protein forms R1256Q.
Identifiers: ClinVar variation 546118 (VCV000546118.13), dbSNP rs141448415, ClinGen allele CA8390805.
Genomic context (GRCh38, chr17:10,527,852, plus strand): 5'-ATCAGCCGCTGCTGCTCCTCTTCCTTTGATTTCAGTTCACTCAGTTGGTCCTCTAGAGTC[C>T]GGCACATTTTCTCTAGGTTTCCCTATAGAAGAAAAAGTAAAAGAAGAAAACAGAGACCTT-3'
Protein context (NP_060004.3, residues 1246-1266): KAKGNLEKMC[Arg1256Gln]TLEDQLSELK